The following is an entry in ClinVar:

NM_000535.7(PMS2):c.438A>T (p.Lys146Asn)

Gene: PMS2 (PMS1 homolog 2, mismatch repair system component; minus strand). Cytogenetic location: 7p22.1.
Variant type: single nucleotide variant.
Coding change: c.438A>T on transcript NM_000535.7 (MANE Select); coding-DNA position 438, A replaced by T.
Protein change: p.Lys146Asn; replaces lysine 146 with asparagine.
Molecular consequence: missense variant. On other transcripts: 5 prime UTR variant (2), non-coding transcript variant (1).
Genome position (GRCh38, 1-based): chr7:6,002,552, T>A on the plus strand (A>T on the coding strand, the complement: PMS2 is on the minus strand). VCF-style: chr7-6002552-T-A. GRCh37 (hg19) VCF-style: chr7-6042183-T-A.
Other names: c.33A>T, p.Lys11Asn (NM_001322003.2, NM_001322004.2, NM_001322005.2 and 3 more transcripts); c.438A>T, p.Lys146Asn (NM_001322006.2, NM_001322014.2); c.120A>T, p.Lys40Asn (NM_001322007.2, NM_001322008.2); c.-447A>T (NM_001322011.2, NM_001322012.2); c.129A>T, p.Lys43Asn (NM_001322015.2); short protein forms K146N, K43N, K11N, K40N.
Identifiers: ClinVar variation 455719 (VCV000455719.8), dbSNP rs1396558771, ClinGen allele CA366744347.
Genomic context (GRCh38, chr7:6,002,552, plus strand): 5'-TAGTGTGGAAAATAACTGCTGCACGCTGACTGTGGTCCCTCTGGGGCGGGGGTAGGGGGT[T>A]TTCTGGATAATTTTCCCATTGTGATCAAACATCAGTCGAGTTCCAACCTTCGCCGATGCG-3'
Protein context (NP_000526.2, residues 136-156): MFDHNGKIIQ[Lys146Asn]TPYPRPRGTT

ClinVar aggregate classification (germline): Uncertain significance (1 of 4 stars; one submission).

Conditions:
Hereditary nonpolyposis colorectal neoplasms. Identifiers: MedGen C0009405, MeSH D003123.

Allele frequency attached by ClinVar (database versions not stated): TOPMed below 0.00001; gnomAD 0.00001.

Submission:

Labcorp Genetics (formerly Invitae), Labcorp
Classification: Uncertain significance for Hereditary nonpolyposis colorectal neoplasms. Last evaluated: 2017-03-30. Review status: criteria provided, single submitter. Criteria: Invitae Variant Classification Sherloc (09022015). Collection method: clinical testing. Allele origin: germline.
Comment: In summary, this variant is a novel missense change with uncertain impact on protein function. It has been classified as a Variant of Uncertain Significance. Algorithms developed to predict the effect of missense changes on protein structure and function do not agree on the potential impact of this missense change (SIFT: "Deleterious"; PolyPhen-2: "Possibly Damaging"; Align-GVGD: "Class C0"). This variant is not present in population databases (ExAC no frequency) and has not been reported in the literature in individuals with a PMS2-related disease. This sequence change replaces lysine with asparagine at codon 146 of the PMS2 protein (p.Lys146Asn). The lysine residue is moderately conserved and there is a moderate physicochemical difference between lysine and asparagine.